The following is an entry in ClinVar:

ClinVar aggregate classification (germline): Benign/Likely benign. Review status: criteria provided, multiple submitters, no conflicts (2 of 4 stars). 4 submissions from 3 submitters: Benign (1); Likely benign (3). Last evaluated 2021-05-15.

Conditions:
Autosomal recessive nonsyndromic hearing loss 37. Identifiers: Orphanet 90636, MedGen C1843028, MONDO:0011912, OMIM 607821.
Autosomal dominant nonsyndromic hearing loss 22. Also called: Autosomal dominant nonsyndromic deafness 22; DFNA 22. Identifiers: Orphanet 228012, MedGen C2931767, MONDO:0011660, OMIM 606346.

Allele frequency attached by ClinVar (database versions not stated): 1000 Genomes Project 30x 0.03888; 1000 Genomes Project 0.04113.
gnomAD v4.1: 1,707 of 152,064 alleles (1.1%); highest among the groups gnomAD compares: East Asian, 15%; 74 homozygotes.

Submissions (4):

GeneDx
Classification: Likely benign. Last evaluated: 2021-05-15. Review status: criteria provided, single submitter. Criteria: GeneDx Variant Classification Process June 2021. Collection method: clinical testing. Allele origin: germline. Affected: yes.

Illumina Laboratory Services, Illumina
Classification: Likely benign for Autosomal recessive nonsyndromic hearing loss 37. Last evaluated: 2018-01-13. Review status: criteria provided, single submitter. Criteria: ICSL Variant Classification Criteria 13 December 2019. Collection method: clinical testing. Allele origin: germline.
Comment: This variant was observed in the ICSL laboratory as part of a predisposition screen in an ostensibly healthy population. It had not been previously curated by ICSL or reported in the Human Gene Mutation Database (HGMD: prior to June 1st, 2018), and was therefore a candidate for classification through an automated scoring system. Utilizing variant allele frequency, disease prevalence and penetrance estimates, and inheritance mode, an automated score was calculated to assess if this variant is too frequent to cause the disease. Based on the score and internal cut-off values, a variant classified as likely benign is not then subjected to further curation. The score for this variant resulted in a classification of likely benign for this disease.

Illumina Laboratory Services, Illumina
Classification: Benign for Autosomal dominant nonsyndromic hearing loss 22. Last evaluated: 2018-01-13. Review status: criteria provided, single submitter. Criteria: ICSL Variant Classification Criteria 13 December 2019. Collection method: clinical testing. Allele origin: germline.
Comment: This variant was observed in the ICSL laboratory as part of a predisposition screen in an ostensibly healthy population. It had not been previously curated by ICSL or reported in the Human Gene Mutation Database (HGMD: prior to June 1st, 2018), and was therefore a candidate for classification through an automated scoring system. Utilizing variant allele frequency, disease prevalence and penetrance estimates, and inheritance mode, an automated score was calculated to assess if this variant is too frequent to cause the disease. Based on the score and internal cut-off values, a variant classified as benign is not then subjected to further curation. The score for this variant resulted in a classification of benign for this disease.

Breakthrough Genomics
Classification: Likely benign. Review status: criteria provided, single submitter. Criteria: ACMG Guidelines, 2015. Collection method: not provided. Allele origin: germline. Inheritance: Autosomal recessive inheritance. Affected: yes.

NM_004999.4(MYO6):c.*4283A>T

Gene: MYO6 (myosin VI; plus strand). Cytogenetic location: 6q14.1.
Variant type: single nucleotide variant.
Coding change: c.*4283A>T on transcript NM_004999.4 (MANE Select); 4283 bases downstream of the stop codon, A replaced by T.
Molecular consequence: 3 prime UTR variant. On other transcripts: non-coding transcript variant (1).
Genome position (GRCh38, 1-based): chr6:75,919,295, A>T. VCF-style: chr6-75919295-A-T. GRCh37 (hg19) VCF-style: chr6-76629012-A-T.
Other names: c.*4283A>T (NM_001300899.2, NM_001368136.1, NM_001368137.1 and 3 more transcripts).
Identifiers: ClinVar variation 358058 (VCV000358058.7), dbSNP rs7746476, ClinGen allele CA10627671.